The following is an entry in ClinVar:

ClinVar aggregate classification (germline): Benign/Likely benign. Review status: criteria provided, multiple submitters, no conflicts (2 of 4 stars). 4 submissions from 4 submitters: Benign (1); Likely benign (3). Last evaluated 2025-07-31.

Conditions:
Hereditary cancer-predisposing syndrome. Also called: Hereditary Cancer Syndrome; Neoplastic Syndromes, Hereditary; Tumor predisposition; Hereditary neoplastic syndrome. Identifiers: Orphanet 140162, MedGen C0027672, MeSH D009386, MONDO:0015356.
BAP1-related tumor predisposition syndrome (TPDS1). Also called: Tumor susceptibility linked to germline BAP1 mutations; BAP1 tumor predisposition syndrome; COMMON Syndrome; TUMOR PREDISPOSITION SYNDROME 1. Identifiers: Orphanet 289539, MedGen C3280492, MONDO:0013692, OMIM 614327.

Allele frequency attached by ClinVar (database versions not stated): gnomAD 0.00001; gnomAD exomes 0.00002; TOPMed 0.00002; ExAC 0.00003.
gnomAD v4.1: 14 of 1,614,094 alleles (0.00087%); highest among the groups gnomAD compares: East Asian, 0.0022%; no homozygotes.

Submissions (4):

Labcorp Genetics (formerly Invitae), Labcorp
Classification: Likely benign for BAP1-related tumor predisposition syndrome. Last evaluated: 2025-07-31. Review status: criteria provided, single submitter. Criteria: Invitae Variant Classification Sherloc (09022015). Collection method: clinical testing. Allele origin: germline.

Myriad Genetics, Inc.
Classification: Benign for BAP1-related tumor predisposition syndrome. Last evaluated: 2024-07-16. Review status: criteria provided, single submitter. Criteria: Myriad Autosomal Dominant, Autosomal Recessive and X-Linked Classification Criteria (2023). Collection method: clinical testing. Allele origin: unknown.
Comment: This variant is considered benign. This variant is a silent/synonymous amino acid change and it is not expected to impact splicing.

Ambry Genetics
Classification: Likely benign for Hereditary cancer-predisposing syndrome. Last evaluated: 2018-02-26. Review status: criteria provided, single submitter. Criteria: Ambry Variant Classification Scheme 2023. Collection method: clinical testing. Allele origin: germline.

Color Diagnostics, LLC DBA Color Health
Classification: Likely benign for Hereditary cancer-predisposing syndrome. Last evaluated: 2017-06-06. Review status: criteria provided, single submitter. Criteria: ACMG Guidelines, 2015. Collection method: clinical testing. Allele origin: germline.

NM_004656.4(BAP1):c.1221T>C (p.Asp407=)

Gene: BAP1 (BRCA1 associated deubiquitinase 1; minus strand). Cytogenetic location: 3p21.1.
Variant type: single nucleotide variant.
Coding change: c.1221T>C on transcript NM_004656.4 (MANE Select); coding-DNA position 1221, T replaced by C.
Protein change: p.Asp407=; no amino-acid change (aspartic acid 407 retained).
Molecular consequence: synonymous variant.
Genome position (GRCh38, 1-based): chr3:52,404,482, A>G on the plus strand (T>C on the coding strand, the complement: BAP1 is on the minus strand). VCF-style: chr3-52404482-A-G. GRCh37 (hg19) VCF-style: chr3-52438498-A-G.
Identifiers: ClinVar variation 490780 (VCV000490780.18), dbSNP rs1028053412, ClinGen allele CA2436866.